The following is an entry in ClinVar:

NM_001830.4(CLCN4):c.160A>C (p.Lys54Gln)

Gene: CLCN4 (chloride voltage-gated channel 4; plus strand). Cytogenetic location: Xp22.2.
Variant type: single nucleotide variant.
Coding change: c.160A>C on transcript NM_001830.4 (MANE Select); coding-DNA position 160, A replaced by C.
Protein change: p.Lys54Gln; replaces lysine 54 with glutamine.
Molecular consequence: missense variant. On other transcripts: intron variant (1).
Genome position (GRCh38, 1-based): chrX:10,187,530, A>C. VCF-style: chrX-10187530-A-C. GRCh37 (hg19) VCF-style: chrX-10155570-A-C.
Other names: c.-38-7381A>C (NM_001256944.2); short protein forms K54Q.
Identifiers: ClinVar variation 3343915 (VCV003343915.1).
Genomic context (GRCh38, chrX:10,187,530, plus strand): 5'-TTCGAAAATGCATTCGGATCAGTTGCTGTATCTGCTTTGTTCTAGATCACCAGCAAGAGC[A>C]AGGAGTCCATATGGGAGTTCATCAAGAGCCTGCTGGATGCCTGGTCGGGATGGGTGGTGA-3'
Protein context (NP_001821.2, residues 44-64): DRHRKITSKS[Lys54Gln]ESIWEFIKSL

ClinVar aggregate classification (germline): Uncertain significance (1 of 4 stars; one submission).

Submission:

GeneDx
Classification: Uncertain significance. Last evaluated: 2024-01-04. Review status: criteria provided, single submitter. Criteria: GeneDx Variant Classification Process June 2021. Collection method: clinical testing. Allele origin: germline. Affected: yes.
Comment: In silico analysis supports that this missense variant does not alter protein structure/function; Has not been previously published as pathogenic or benign to our knowledge